The following is an entry in ClinVar:

ClinVar aggregate classification (germline): Uncertain significance (1 of 4 stars; one submission).

gnomAD v4.1: 1 of 1,613,908 alleles (0.000062%); highest among the groups gnomAD compares: Non-Finnish European, 0.000085%; no homozygotes.

Submission:

GeneDx
Classification: Uncertain significance. Last evaluated: 2023-07-21. Review status: criteria provided, single submitter. Criteria: GeneDx Variant Classification Process June 2021. Collection method: clinical testing. Allele origin: germline. Affected: yes.
Comment: Not observed at significant frequency in large population cohorts (gnomAD); In silico analysis supports that this missense variant has a deleterious effect on protein structure/function; Has not been previously published as pathogenic or benign to our knowledge

NM_001854.4(COL11A1):c.3346G>C (p.Ala1116Pro)

Gene: COL11A1 (collagen type XI alpha 1 chain; minus strand). Cytogenetic location: 1p21.1.
Variant type: single nucleotide variant.
Coding change: c.3346G>C on transcript NM_001854.4 (MANE Select); coding-DNA position 3346, G replaced by C.
Protein change: p.Ala1116Pro; replaces alanine 1116 with proline.
Molecular consequence: missense variant. On other transcripts: non-coding transcript variant (1).
Genome position (GRCh38, 1-based): chr1:102,940,365, C>G on the plus strand (G>C on the coding strand, the complement: COL11A1 is on the minus strand). VCF-style: chr1-102940365-C-G. GRCh37 (hg19) VCF-style: chr1-103405921-C-G.
Other names: c.3229G>C, p.Ala1077Pro (NM_001190709.2); c.3382G>C, p.Ala1128Pro (NM_080629.3); c.2998G>C, p.Ala1000Pro (NM_080630.4); short protein forms A1000P, A1077P, A1116P, A1128P.
Identifiers: ClinVar variation 3361455 (VCV003361455.1).